The following is an entry in ClinVar:

ClinVar aggregate classification (germline): Uncertain significance (1 of 4 stars; one submission).

Allele frequency attached by ClinVar (database versions not stated): gnomAD exomes 0.00001; TOPMed 0.00001; gnomAD 0.00002.
gnomAD v4.1: 16 of 1,551,542 alleles (0.001%); highest among the groups gnomAD compares: Admixed American, 0.0039%; no homozygotes.

Submission:

GeneDx
Classification: Uncertain significance. Last evaluated: 2022-05-15. Review status: criteria provided, single submitter. Criteria: GeneDx Variant Classification Process June 2021. Collection method: clinical testing. Allele origin: germline. Affected: yes.
Comment: Not observed at significant frequency in large population cohorts (gnomAD); In silico analysis supports that this missense variant has a deleterious effect on protein structure/function; In silico analysis, which includes splice predictors and evolutionary conservation, suggests this variant may impact gene splicing. In the absence of RNA/functional studies, the actual effect of this sequence change is unknown.; Has not been previously published as pathogenic or benign to our knowledge; Variants in candidate genes are classified as variants of uncertain significance in accordance with ACMG guidelines (Richards et al., 2015)

NM_001370.2(DNAH6):c.12020G>A (p.Arg4007Gln)

Gene: DNAH6 (dynein axonemal heavy chain 6; plus strand). Cytogenetic location: 2p11.2.
Variant type: single nucleotide variant.
Coding change: c.12020G>A on transcript NM_001370.2 (MANE Select); coding-DNA position 12020, G replaced by A.
Protein change: p.Arg4007Gln; replaces arginine 4007 with glutamine.
Molecular consequence: missense variant.
Genome position (GRCh38, 1-based): chr2:84,813,992, G>A. VCF-style: chr2-84813992-G-A. GRCh37 (hg19) VCF-style: chr2-85041116-G-A.
Other names: short protein forms R4007Q.
Identifiers: ClinVar variation 3253155 (VCV003253155.1), dbSNP rs367739383.